The following is an entry in ClinVar:

ClinVar aggregate classification (germline): Likely pathogenic (1 of 4 stars; one submission).

Conditions:
Glycogen storage disease due to muscle and heart glycogen synthase deficiency. Also called: GSD 0b; MUSCLE GLYCOGEN SYNTHASE DEFICIENCY. Identifiers: Orphanet 137625, MedGen C1969054, MONDO:0012693, OMIM 611556.

Allele frequency attached by ClinVar (database versions not stated): gnomAD exomes below 0.00001; TOPMed below 0.00001; gnomAD 0.00001.
gnomAD v4.1: 6 of 1,613,214 alleles (0.00037%); highest among the groups gnomAD compares: Non-Finnish European, 0.00051%; no homozygotes.

Submission:

Labcorp Genetics (formerly Invitae), Labcorp
Classification: Likely pathogenic for Glycogen storage disease due to muscle and heart glycogen synthase deficiency. Last evaluated: 2025-06-16. Review status: criteria provided, single submitter. Criteria: Invitae Variant Classification Sherloc (09022015). Collection method: clinical testing. Allele origin: germline.
Comment: This sequence change affects an acceptor splice site in intron 8 of the GYS1 gene. It is expected to disrupt RNA splicing. Variants that disrupt the donor or acceptor splice site typically lead to a loss of protein function (PMID: 16199547), and loss-of-function variants in GYS1 are known to be pathogenic (PMID: 17928598, 19699667). This variant is present in population databases (no rsID available, gnomAD 0.0009%). This variant has not been reported in the literature in individuals affected with GYS1-related conditions. ClinVar contains an entry for this variant (Variation ID: 940736). Algorithms developed to predict the effect of sequence changes on RNA splicing suggest that this variant may disrupt the consensus splice site. In summary, the currently available evidence indicates that the variant is pathogenic, but additional data are needed to prove that conclusively. Therefore, this variant has been classified as Likely Pathogenic.

Literature cited by the submitters: PubMed 16199547; PubMed 17928598; PubMed 19699667.

NM_002103.5(GYS1):c.1170-2A>G

Gene: GYS1 (glycogen synthase 1; minus strand). Cytogenetic location: 19q13.33.
Variant type: single nucleotide variant.
Coding change: c.1170-2A>G on transcript NM_002103.5 (MANE Select); the canonical splice acceptor site of the intron before coding-DNA position 1170, A replaced by G.
Molecular consequence: splice acceptor variant.
Genome position (GRCh38, 1-based): chr19:48,978,159, T>C on the plus strand (A>G on the coding strand, the complement: GYS1 is on the minus strand). VCF-style: chr19-48978159-T-C. GRCh37 (hg19) VCF-style: chr19-49481416-T-C.
Other names: c.978-2A>G (NM_001161587.2).
Identifiers: ClinVar variation 940736 (VCV000940736.8), dbSNP rs1219432457, ClinGen allele CA406762471.